The following is an entry in ClinVar:

ClinVar aggregate classification (germline): Uncertain significance. Review status: criteria provided, multiple submitters, no conflicts (2 of 4 stars). 3 submissions from 3 submitters: Uncertain significance (3). Last evaluated 2024-03-09.

Conditions:
Multiple endocrine neoplasia, type 1 (MEN1). Also called: MEN I; WERMER SYNDROME; Endocrine adenomatosis multiple; MEN 1; MEA I. Identifiers: Orphanet 652, MedGen C0025267, MeSH D018761, MONDO:0007540, OMIM 131100.
Hereditary cancer-predisposing syndrome. Also called: Neoplastic Syndromes, Hereditary; Tumor predisposition; Hereditary Cancer Syndrome; Hereditary neoplastic syndrome. Identifiers: Orphanet 140162, MedGen C0027672, MeSH D009386, MONDO:0015356.

Allele frequency attached by ClinVar (database versions not stated): gnomAD exomes below 0.00001.
gnomAD v4.1: 2 of 1,614,062 alleles (0.00012%); highest among the groups gnomAD compares: Non-Finnish European, 0.00017%; no homozygotes.

Submissions (3):

Baylor Genetics
Classification: Uncertain significance for Multiple Endocrine Neoplasia Type 1. Last evaluated: 2024-03-09. Review status: criteria provided, single submitter. Criteria: ACMG Guidelines, 2015. Collection method: clinical testing. Allele origin: unknown.

Ambry Genetics
Classification: Uncertain significance for Hereditary cancer-predisposing syndrome. Last evaluated: 2023-10-08. Review status: criteria provided, single submitter. Criteria: Ambry Variant Classification Scheme 2023. Collection method: clinical testing. Allele origin: germline.
Comment: The p.G111D variant (also known as c.332G>A), located in coding exon 1 of the MEN1 gene, results from a G to A substitution at nucleotide position 332. The glycine at codon 111 is replaced by aspartic acid, an amino acid with similar properties. This amino acid position is conserved. In addition, the in silico prediction for this alteration is inconclusive. Since supporting evidence is limited at this time, the clinical significance of this alteration remains unclear.

Labcorp Genetics (formerly Invitae), Labcorp
Classification: Uncertain significance for Multiple endocrine neoplasia, type 1. Last evaluated: 2022-04-21. Review status: criteria provided, single submitter. Criteria: Invitae Variant Classification Sherloc (09022015). Collection method: clinical testing. Allele origin: germline.
Comment: In summary, the available evidence is currently insufficient to determine the role of this variant in disease. Therefore, it has been classified as a Variant of Uncertain Significance. Algorithms developed to predict the effect of missense changes on protein structure and function (SIFT, PolyPhen-2, Align-GVGD) all suggest that this variant is likely to be tolerated. This variant has not been reported in the literature in individuals affected with MEN1-related conditions. This variant is not present in population databases (gnomAD no frequency). This sequence change replaces glycine, which is neutral and non-polar, with aspartic acid, which is acidic and polar, at codon 111 of the MEN1 protein (p.Gly111Asp).

NM_001370259.2(MEN1):c.332G>A (p.Gly111Asp)

Gene: MEN1 (menin 1; minus strand). Cytogenetic location: 11q13.1.
Variant type: single nucleotide variant.
Coding change: c.332G>A on transcript NM_001370259.2 (MANE Select); coding-DNA position 332, G replaced by A.
Protein change: p.Gly111Asp; replaces glycine 111 with aspartic acid.
Molecular consequence: missense variant.
Genome position (GRCh38, 1-based): chr11:64,809,778, C>T on the plus strand (G>A on the coding strand, the complement: MEN1 is on the minus strand). VCF-style: chr11-64809778-C-T. GRCh37 (hg19) VCF-style: chr11-64577250-C-T.
Other names: c.332G>A, p.Gly111Asp (NM_000244.4, NM_001370251.2, NM_001370260.2 and 20 more transcripts); short protein forms G111D.
Identifiers: ClinVar variation 2179788 (VCV002179788.6), dbSNP rs2136183365, ClinGen allele CA381187390.
Genomic context (GRCh38, chr11:64,809,778, plus strand): 5'-CGGCTGAGGCTGTTCCATATGACATCGGAGACCTTCTTCACCAGCTCACGGCTGGAGACA[C>T]CCCCTTCTCGAGGATAGAGGGACAGGTCGACGGCGCCTCGGATCTGGGCGGTGAAGCGGG-3'
Protein context (NP_001357188.2, residues 101-121): VDLSLYPREG[Gly111Asp]VSSRELVKKV